The following is an entry in ClinVar:

NM_001754.5(RUNX1):c.1265A>T (p.Glu422Val)

Gene: RUNX1 (RUNX family transcription factor 1; minus strand). Cytogenetic location: 21q22.12.
Variant type: single nucleotide variant.
Coding change: c.1265A>T on transcript NM_001754.5 (MANE Select); coding-DNA position 1265, A replaced by T.
Protein change: p.Glu422Val; replaces glutamic acid 422 with valine.
Molecular consequence: missense variant.
Genome position (GRCh38, 1-based): chr21:34,792,313, T>A on the plus strand (A>T on the coding strand, the complement: RUNX1 is on the minus strand). VCF-style: chr21-34792313-T-A. GRCh37 (hg19) VCF-style: chr21-36164610-T-A.
Other names: NM_001754.5(RUNX1):c.1265A>T; p.Glu422Val; c.1184A>T, p.Glu395Val (NM_001001890.3); short protein forms E395V, E422V.
Identifiers: ClinVar variation 3791467 (VCV003791467.2).

ClinVar aggregate classification (germline): Uncertain significance. Review status: reviewed by expert panel (3 of 4 stars). 2 submissions from 2 submitters: Uncertain significance (1). 1 of the submissions does not count toward it. Last evaluated 2025-07-11.

Conditions:
Inborn genetic diseases. Identifiers: MedGen C0950123, MeSH D030342.
Hereditary thrombocytopenia and hematologic cancer predisposition syndrome. Identifiers: Orphanet 71290, MedGen CN281654, MONDO:0011071.

gnomAD v4.1: 34 of 1,271,098 alleles (0.0027%); highest among the groups gnomAD compares: East Asian, 0.01%; no homozygotes.

Submissions (2):

ClinGen Myeloid Malignancy Variant Curation Expert Panel
Classification: Uncertain significance for Hereditary thrombocytopenia and hematologic cancer predisposition syndrome. Last evaluated: 2025-07-11. Review status: reviewed by expert panel. Criteria: ClinGen MyeloMalig ACMG Specifications v2. Collection method: curation. Allele origin: germline. Inheritance: Autosomal dominant inheritance.
Comment: NM_001754.5(RUNX1):c.1265A>T (p.Glu422Val) is a missense variant which has a REVEL score < 0.50 (0.1), and a SpliceAI score ≤ 0.20 (0.0) (BP4). This variant is completely absent from all population databases with at least 20x coverage for RUNX1 (PM2_Supporting). In summary, the clinical significance of this variant is uncertain. ACMG/AMP criteria applied, as specified by the Myeloid Malignancy Variant Curation Expert Panel for RUNX1: BP4, PM2_supporting.

Ambry Genetics
Classification: Uncertain significance for Inborn genetic diseases. Last evaluated: 2026-05-13. Review status: criteria provided, single submitter. Criteria: Ambry Variant Classification Scheme 2023. Collection method: clinical testing. Allele origin: germline. Not counted in ClinVar's aggregate classification.